The following is an entry in ClinVar:

ClinVar aggregate classification (germline): Uncertain significance (1 of 4 stars; one submission).

Conditions:
Familial intrahepatic cholestasis. Identifiers: Orphanet 284385, MedGen CN296401, MONDO:0017290.

Submission:

Genomenon, Inc
Classification: Uncertain significance for Familial intrahepatic cholestasis. Last evaluated: 2026-04-14. Review status: criteria provided, single submitter. Criteria: Genomenon Sequence Variant Interpretation Standards - Updated. Collection method: curation. Allele origin: germline. Affected: no.
Comment: ABCB11 p.Asp590Ala (c.1769A>C) is a missense variant that changes the amino acid at residue 590 from Aspartic acid to Alanine. To our knowledge, this variant has not been reported in patients affected with an ABCB11-related disorder in the published literature. At least one functional study has demonstrated a substantial alteration in protein function relative to the wild-type (PMID:28784620). It is absent or not present at a significant frequency in gnomAD. In silico models predict that this variant is possibly or probably damaging. In conclusion, we classify ABCB11 p.Asp590Ala (c.1769A>C) as a variant of uncertain significance.

Literature cited by the submitters: PubMed 28784620.

NM_003742.4(ABCB11):c.1769A>C (p.Asp590Ala)

Gene: ABCB11 (ATP binding cassette subfamily B member 11; minus strand). Cytogenetic location: 2q31.1.
Variant type: single nucleotide variant.
Coding change: c.1769A>C on transcript NM_003742.4 (MANE Select); coding-DNA position 1769, A replaced by C.
Protein change: p.Asp590Ala; replaces aspartic acid 590 with alanine.
Molecular consequence: missense variant.
Genome position (GRCh38, 1-based): chr2:168,970,085, T>G on the plus strand (A>C on the coding strand, the complement: ABCB11 is on the minus strand). VCF-style: chr2-168970085-T-G. GRCh37 (hg19) VCF-style: chr2-169826595-T-G.
Other names: short protein forms D590A.
Identifiers: ClinVar variation 4845973 (VCV004845973.1).